The following is an entry in ClinVar:

NM_175875.5(SIX5):c.1948C>A (p.Pro650Thr)

Gene: SIX5 (SIX homeobox 5; minus strand). Cytogenetic location: 19q13.32.
Variant type: single nucleotide variant.
Coding change: c.1948C>A on transcript NM_175875.5 (MANE Select); coding-DNA position 1948, C replaced by A.
Protein change: p.Pro650Thr; replaces proline 650 with threonine.
Molecular consequence: missense variant.
Genome position (GRCh38, 1-based): chr19:45,765,773, G>T on the plus strand (C>A on the coding strand, the complement: SIX5 is on the minus strand). VCF-style: chr19-45765773-G-T. GRCh37 (hg19) VCF-style: chr19-46269031-G-T.
Other names: short protein forms P650T.
Identifiers: ClinVar variation 1963947 (VCV001963947.5), dbSNP rs545077999, ClinGen allele CA9520464.

ClinVar aggregate classification (germline): Uncertain significance (1 of 4 stars; one submission).

Allele frequency attached by ClinVar (database versions not stated): TOPMed below 0.00001; ExAC 0.00001; gnomAD 0.00002; 1000 Genomes Project 30x 0.00016; 1000 Genomes Project 0.00020.

Submission:

Labcorp Genetics (formerly Invitae), Labcorp
Classification: Uncertain significance. Last evaluated: 2022-05-25. Review status: criteria provided, single submitter. Criteria: Invitae Variant Classification Sherloc (09022015). Collection method: clinical testing. Allele origin: germline.
Comment: The frequency data for this variant in the population databases is considered unreliable, as metrics indicate poor data quality at this position in the gnomAD database. In summary, the available evidence is currently insufficient to determine the role of this variant in disease. Therefore, it has been classified as a Variant of Uncertain Significance. Algorithms developed to predict the effect of missense changes on protein structure and function are either unavailable or do not agree on the potential impact of this missense change (SIFT: "Deleterious"; PolyPhen-2: "Benign"; Align-GVGD: "Class C0"). This variant has not been reported in the literature in individuals affected with SIX5-related conditions. This sequence change replaces proline, which is neutral and non-polar, with threonine, which is neutral and polar, at codon 650 of the SIX5 protein (p.Pro650Thr).